The following is an entry in ClinVar:

NM_001197104.2(KMT2A):c.4423TGT[1] (p.Cys1476del)

Gene: KMT2A (lysine methyltransferase 2A; plus strand). Cytogenetic location: 11q23.3.
Variant type: Microsatellite.
Coding change: c.4423TGT[1] on transcript NM_001197104.2 (MANE Select); one copy of the 3-base unit TGT starting at c.4423; the reference has two copies in a row; one copy, 3 bases deleted.
Protein change: p.Cys1476del; deletes cysteine 1476.
Molecular consequence: inframe deletion.
Genome position (GRCh38, 1-based): chr11:118,488,707-118,488,709, TGT deleted; deleting any 3 consecutive bases within chr11:118,488,704-118,488,709 gives the same sequence; the position shown is the placement nearest the transcript's 3' end. VCF-style (leftmost placement, unchanged base first): chr11-118488703-GTGT-G. GRCh37 (hg19) VCF-style: chr11-118359418-GTGT-G.
Other names: c.4423TGT[1], p.Cys1476del (NM_005933.4); c.4426_4428delTGT (NM_001197104.1); short protein forms C1476del.
Identifiers: ClinVar variation 452894 (VCV000452894.2), dbSNP rs1555041617, ClinGen allele CA658658110.

ClinVar aggregate classification (germline): Likely pathogenic (1 of 4 stars; one submission).

Submission:

GeneDx
Classification: Likely pathogenic. Last evaluated: 2017-10-18. Review status: criteria provided, single submitter. Criteria: GeneDx Variant Classification (06012015). Collection method: clinical testing. Allele origin: germline. Affected: yes.
Comment: The c.4426_4428delTGT variant in the KMT2A gene has not been reported previously as a pathogenic variant, nor as a benign variant, to our knowledge. The c.4426_4428delTGT variant causes a in frame deletion of a single amino acid residue, denoted p.Cys1476del. This variant is not observed in large population cohorts (Lek et al., 2016). The amino acid removed by this deletion is conserved across species. In silico analysis predicts this variant is probably damaging to the protein structure/function. We interpret c.4426_4428delTGT as a likely pathogenic variant.